The following is an entry in ClinVar:

NM_004385.5(VCAN):c.4045T>A (p.Ser1349Thr)

Genes: VCAN (versican; plus strand), VCAN-AS1 (VCAN antisense RNA 1; minus strand). Cytogenetic location: 5q14.3.
Variant type: single nucleotide variant.
Coding change: c.4045T>A on transcript NM_004385.5 (MANE Select); coding-DNA position 4045, T replaced by A.
Protein change: p.Ser1349Thr; replaces serine 1349 with threonine.
Molecular consequence: missense variant. On other transcripts: intron variant (2).
Genome position (GRCh38, 1-based): chr5:83,537,048, T>A. VCF-style: chr5-83537048-T-A. GRCh37 (hg19) VCF-style: chr5-82832867-T-A.
Other names: c.1084T>A, p.Ser362Thr (NM_001164097.2); c.4004-8489T>A (NM_001164098.2); c.1043-8489T>A (NM_001126336.3); short protein forms S362T, S1349T.
Identifiers: ClinVar variation 2987182 (VCV002987182.3), dbSNP rs2479101611, ClinGen allele CA360307378.

ClinVar aggregate classification (germline): Uncertain significance (1 of 4 stars; one submission).

Submission:

Labcorp Genetics (formerly Invitae), Labcorp
Classification: Uncertain significance. Last evaluated: 2025-03-31. Review status: criteria provided, single submitter. Criteria: Invitae Variant Classification Sherloc (09022015). Collection method: clinical testing. Allele origin: germline.
Comment: This sequence change replaces serine, which is neutral and polar, with threonine, which is neutral and polar, at codon 1349 of the VCAN protein (p.Ser1349Thr). This variant is not present in population databases (gnomAD no frequency). This variant has not been reported in the literature in individuals affected with VCAN-related conditions. ClinVar contains an entry for this variant (Variation ID: 2987182). An algorithm developed to predict the effect of missense changes on protein structure and function (PolyPhen-2) suggests that this variant is likely to be tolerated. In summary, the available evidence is currently insufficient to determine the role of this variant in disease. Therefore, it has been classified as a Variant of Uncertain Significance.